The following is an entry in ClinVar:

NM_014740.4(EIF4A3):c.1062C>T (p.Leu354=)

Gene: EIF4A3 (eukaryotic translation initiation factor 4A3; minus strand). Cytogenetic location: 17q25.3.
Variant type: single nucleotide variant.
Coding change: c.1062C>T on transcript NM_014740.4 (MANE Select); coding-DNA position 1062, C replaced by T.
Protein change: p.Leu354=; no amino-acid change (leucine 354 retained).
Molecular consequence: synonymous variant.
Genome position (GRCh38, 1-based): chr17:80,136,257, G>A on the plus strand (C>T on the coding strand, the complement: EIF4A3 is on the minus strand). VCF-style: chr17-80136257-G-A. GRCh37 (hg19) VCF-style: chr17-78110056-G-A.
Other names: c.1062C>T (NM_014740.3); c.999C>T, p.Leu333= (NM_001411099.1).
Identifiers: ClinVar variation 2648397 (VCV002648397.25), dbSNP rs138300359, ClinGen allele CA8815961.
Genomic context (GRCh38, chr17:80,136,257, plus strand): 5'-GAAGTGAAGCCAATGAGAGCTTGCACCTTACCTGTGTATGTACAATTCTCTGTTATTAGG[G>A]AGATCATAGTTAATGATGAGGGACACCTGAGGGACATCCAACCCCCTGGCCCAGACATCT-3'
Protein context (NP_055555.1, residues 344-364): PQVSLIINYD[Leu354=]PNNRELYIHR

ClinVar aggregate classification (germline): Likely benign. Review status: criteria provided, single submitter (1 of 4 stars). 2 submissions from 2 submitters: Likely benign (1). 1 of the submissions does not count toward it. Last evaluated 2023-01-01.

Conditions:
EIF4A3-related disorder. Also called: EIF4A3-related condition.

Allele frequency attached by ClinVar (database versions not stated): gnomAD 0.00016; TOPMed 0.00020; gnomAD exomes 0.00021; ESP Exome Variant Server 0.00031; ExAC 0.00032.
gnomAD v4.1: 335 of 1,614,092 alleles (0.021%); highest among the groups gnomAD compares: Middle Eastern, 0.35%; no homozygotes.

Submissions (2):

CeGaT Center for Human Genetics Tuebingen
Classification: Likely benign. Last evaluated: 2023-01-01. Review status: criteria provided, single submitter. Criteria: CeGaT Center For Human Genetics Tuebingen Variant Classification Criteria Version 2. Collection method: clinical testing. Allele origin: germline. Affected: yes. Observed: 1 variant allele.
Comment: EIF4A3: BP4, BP7

PreventionGenetics, part of Exact Sciences
Classification: Likely benign for EIF4A3-related condition. Last evaluated: 2019-08-21. Review status: no assertion criteria provided. Collection method: clinical testing. Allele origin: germline. Not counted in ClinVar's aggregate classification.
Comment: This variant is classified as likely benign based on ACMG/AMP sequence variant interpretation guidelines (Richards et al. 2015 PMID: 25741868, with internal and published modifications).